The following is an entry in ClinVar:

NM_007294.4(BRCA1):c.4891del (p.Ser1631fs)

Gene: BRCA1 (BRCA1 DNA repair associated; minus strand). Cytogenetic location: 17q21.31.
Variant type: Deletion.
Coding change: c.4891del on transcript NM_007294.4 (MANE Select); coding-DNA position 4891, one base deleted (A; older notation c.4891delA).
Protein change: p.Ser1631fs; shifts the reading frame from serine 1631.
Molecular consequence: frameshift variant. On other transcripts: non-coding transcript variant (1).
Genome position (GRCh38, 1-based): chr17:43,071,023, T deleted on the plus strand (A on the coding strand, the reverse complement: BRCA1 is on the minus strand); the first of 3 consecutive T bases (chr17:43,071,023-43,071,025); deleting any one gives the same sequence. VCF-style (leftmost placement, unchanged base first): chr17-43071022-CT-C. GRCh37 (hg19) VCF-style: chr17-41223039-CT-C.
Other names: 5010delA; c.4745delA, p.Ser1583Valfs (NM_001407748.1, NM_001407749.1, NM_001407750.1 and 21 more transcripts); c.4742delA, p.Ser1582Valfs (NM_001407838.1, NM_001407839.1, NM_001407841.1 and 12 more transcripts); c.4889delA, p.Ser1631Valfs (NM_001407854.1, NM_007294.3, NM_001407593.1 and 9 more transcripts); c.4886delA, p.Ser1630Valfs (NM_001407858.1, NM_001407859.1, NM_001407860.1 and 17 more transcripts); c.4883delA, p.Ser1629Valfs (NM_001407861.1, NM_001407627.1, NM_001407628.1 and 14 more transcripts); c.4688delA, p.Ser1564Valfs (NM_001407862.1); c.4763delA, p.Ser1589Valfs (NM_001407863.1, NM_001407939.1, NM_001407940.1 and 11 more transcripts); and 74 more; short protein forms S1652fs, S1631fs, S527fs, S1584fs.
Identifiers: ClinVar variation 266504 (VCV000266504.7), dbSNP rs80357656, ClinGen allele CA10589638.

ClinVar aggregate classification (germline): Pathogenic. Review status: reviewed by expert panel (3 of 4 stars). 2 submissions from 2 submitters: Pathogenic (1). 1 of the submissions does not count toward it. Last evaluated 2016-10-18.

Conditions:
Breast-ovarian cancer, familial, susceptibility to, 1 (BROVCA1). Also called: BRCA1 Hereditary Breast and Ovarian Cancer; OVARIAN CANCER, SUSCEPTIBILITY TO. Identifiers: Orphanet 145, MedGen C2676676, MONDO:0011450, OMIM 604370. Disease mechanism: loss of function.

Submissions (2):

Evidence-based Network for the Interpretation of Germline Mutant Alleles (ENIGMA)
Classification: Pathogenic for Breast-ovarian cancer, familial, susceptibility to, 1. Last evaluated: 2016-10-18. Review status: reviewed by expert panel. Criteria: ENIGMA BRCA1/2 Classification Criteria (2015). Collection method: curation. Allele origin: germline.
Comment: Variant allele predicted to encode a truncated non-functional protein.

Consortium of Investigators of Modifiers of BRCA1/2 (CIMBA), c/o University of Cambridge
Classification: Pathogenic for Breast-ovarian cancer, familial, susceptibility to, 1. Last evaluated: 2015-10-02. Review status: criteria provided, single submitter. Criteria: CIMBA Mutation Classification guidelines May 2016. Collection method: clinical testing. Allele origin: germline. Not counted in ClinVar's aggregate classification.